The following is an entry in ClinVar:

NM_005876.5(SPEG):c.239G>A (p.Gly80Glu)

Gene: SPEG (striated muscle enriched protein kinase; plus strand). Cytogenetic location: 2q35.
Variant type: single nucleotide variant.
Coding change: c.239G>A on transcript NM_005876.5 (MANE Select); coding-DNA position 239, G replaced by A.
Protein change: p.Gly80Glu; replaces glycine 80 with glutamic acid.
Molecular consequence: missense variant.
Genome position (GRCh38, 1-based): chr2:219,435,216, G>A. VCF-style: chr2-219435216-G-A. GRCh37 (hg19) VCF-style: chr2-220299938-G-A.
Other names: c.239G>A (NM_005876.4); short protein forms G80E.
Identifiers: ClinVar variation 1521830 (VCV001521830.9), dbSNP rs1404334141, ClinGen allele CA350704137.

ClinVar aggregate classification (germline): Uncertain significance. Review status: criteria provided, multiple submitters, no conflicts (2 of 4 stars). 2 submissions from 2 submitters: Uncertain significance (2). Last evaluated 2025-11-12.

Conditions:
Inborn genetic diseases. Identifiers: MedGen C0950123, MeSH D030342.

Allele frequency attached by ClinVar (database versions not stated): gnomAD exomes 0.00001.
gnomAD v4.1: 12 of 1,482,394 alleles (0.00081%); highest among the groups gnomAD compares: Non-Finnish European, 0.0011%; no homozygotes.

Submissions (2):

Ambry Genetics
Classification: Uncertain significance for Inborn genetic diseases. Last evaluated: 2025-11-12. Review status: criteria provided, single submitter. Criteria: Ambry Variant Classification Scheme 2023. Collection method: clinical testing. Allele origin: germline.

Labcorp Genetics (formerly Invitae), Labcorp
Classification: Uncertain significance. Last evaluated: 2022-07-27. Review status: criteria provided, single submitter. Criteria: Invitae Variant Classification Sherloc (09022015). Collection method: clinical testing. Allele origin: germline.
Comment: In summary, the available evidence is currently insufficient to determine the role of this variant in disease. Therefore, it has been classified as a Variant of Uncertain Significance. Algorithms developed to predict the effect of missense changes on protein structure and function (SIFT, PolyPhen-2, Align-GVGD) all suggest that this variant is likely to be tolerated. ClinVar contains an entry for this variant (Variation ID: 1521830). This variant has not been reported in the literature in individuals affected with SPEG-related conditions. The frequency data for this variant in the population databases is considered unreliable, as metrics indicate poor data quality at this position in the gnomAD database. This sequence change replaces glycine, which is neutral and non-polar, with glutamic acid, which is acidic and polar, at codon 80 of the SPEG protein (p.Gly80Glu).